The following is an entry in ClinVar:

NM_173354.5(SIK1):c.2320T>G (p.Cys774Gly)

Gene: SIK1 (salt inducible kinase 1; minus strand). Cytogenetic location: 21q22.3.
Variant type: single nucleotide variant.
Coding change: c.2320T>G on transcript NM_173354.5 (MANE Select); coding-DNA position 2320, T replaced by G.
Protein change: p.Cys774Gly; replaces cysteine 774 with glycine.
Molecular consequence: missense variant.
Genome position (GRCh38, 1-based): chr21:43,416,774, A>C on the plus strand (T>G on the coding strand, the complement: SIK1 is on the minus strand). VCF-style: chr21-43416774-A-C. GRCh37 (hg19) VCF-style: chr21-44836654-A-C.
Other names: short protein forms C774G.
Identifiers: ClinVar variation 809293 (VCV000809293.50), dbSNP rs756377602, ClinGen allele CA321324230.

ClinVar aggregate classification (germline): Likely benign. Review status: criteria provided, multiple submitters, no conflicts (2 of 4 stars). 2 submissions from 2 submitters: Likely benign (2). Last evaluated 2026-02-01.

Conditions:
Developmental and epileptic encephalopathy, 30 (DEE30). Also called: Epileptic encephalopathy, early infantile, 30. Identifiers: MedGen C4225360, MONDO:0014595, OMIM 616341.

Allele frequency attached by ClinVar (database versions not stated): ExAC 0.00009; gnomAD 0.00022.

Submissions (2):

CeGaT Center for Human Genetics Tuebingen
Classification: Likely benign. Last evaluated: 2026-02-01. Review status: criteria provided, single submitter. Criteria: CeGaT Center For Human Genetics Tuebingen Variant Classification Criteria Version 2. Collection method: clinical testing. Allele origin: germline. Affected: yes. Observed: 3 variant alleles.
Comment: SIK1: BP4, BS2

Labcorp Genetics (formerly Invitae), Labcorp
Classification: Likely benign for Developmental and epileptic encephalopathy, 30. Last evaluated: 2026-01-27. Review status: criteria provided, single submitter. Criteria: Invitae Variant Classification Sherloc (09022015). Collection method: clinical testing. Allele origin: germline.